The following is an entry in ClinVar:

ClinVar aggregate classification (germline): Pathogenic (1 of 4 stars; one submission).

Submission:

Geisinger Autism and Developmental Medicine Institute, Geisinger Health System
Classification: Pathogenic. Last evaluated: 2018-04-03. Review status: criteria provided, single submitter. Criteria: ACMG CNV Guidelines, 2011. Collection method: provider interpretation. Allele origin: unknown.
Comment: Brain MRI showed mild diffuse loss of the deep white matter in both cerebral hemispheres. These copy number variants are a result of a derivative chromosome 4.

Single allele

Variant type: Duplication.
Identifiers: ClinVar variation 559451 (VCV000559451.3).